The following is an entry in ClinVar:

NM_001165963.4(SCN1A):c.4002+2089G>T

Genes: SCN1A (sodium voltage-gated channel alpha subunit 1; minus strand), LOC102724058 (uncharacterized LOC102724058; plus strand). Cytogenetic location: 2q24.3.
Variant type: single nucleotide variant.
Coding change: c.4002+2089G>T on transcript NM_001165963.4 (MANE Select); 2089 bases into the intron after coding-DNA position 4002, G replaced by T.
Molecular consequence: intron variant.
Genome position (GRCh38, 1-based): chr2:166,007,630, C>A on the plus strand (G>T on the coding strand, the complement: SCN1A is on the minus strand). VCF-style: chr2-166007630-C-A. GRCh37 (hg19) VCF-style: chr2-166864140-C-A.
Other names: c.3969+2089G>T (NM_001353949.2, NM_001353950.2, NM_001353951.2 and 2 more transcripts); c.3918+2089G>T (NM_001353958.2, NM_001353957.2, NM_001165964.3); c.4002+2089G>T (NM_001202435.3, NM_001353948.2); c.3966+2089G>T (NM_001353955.2, NM_001353954.2); c.3915+2089G>T (NM_001353960.2); c.1560+2089G>T (NM_001353961.2).
Identifiers: ClinVar variation 1618451 (VCV001618451.9), dbSNP rs539034474, ClinGen allele CA2499843040.

ClinVar aggregate classification (germline): Uncertain significance (1 of 4 stars; one submission).

Conditions:
Early-infantile DEE. Also called: Early infantile epileptic encephalopathy; Ohtahara syndrome; Early infantile epileptic encephalopathy with suppression bursts. Identifiers: Orphanet 1934, MedGen C0393706, MONDO:0800491.

Submission:

Labcorp Genetics (formerly Invitae), Labcorp
Classification: Uncertain significance for Early-infantile DEE. Last evaluated: 2024-05-15. Review status: criteria provided, single submitter. Criteria: Invitae Variant Classification Sherloc (09022015). Collection method: clinical testing. Allele origin: germline.
Comment: This sequence change falls in intron 20 of the SCN1A gene. It does not directly change the encoded amino acid sequence of the SCN1A protein. However, this sequence change falls within a region encompassing a cryptic exon in the SCN1A gene, in which variants have been shown to alter splicing (PMID: 30526861, 34107977). This variant is not present in population databases (gnomAD no frequency). This variant has not been reported in the literature in individuals affected with SCN1A-related conditions. ClinVar contains an entry for this variant (Variation ID: 1618451). Algorithms developed to predict the effect of sequence changes on RNA splicing suggest that this variant is not likely to affect RNA splicing. In summary, the available evidence is currently insufficient to determine the role of this variant in disease. Therefore, it has been classified as a Variant of Uncertain Significance.

Literature cited by the submitters: PubMed 30526861; PubMed 34107977.